The following is an entry in ClinVar:

NM_000517.6(HBA2):c.89T>C (p.Leu30Pro)

Genes: HBA2 (hemoglobin subunit alpha 2; plus strand), LOC106804612 (hemoglobin subunit alpha 2 recombination region; plus strand). Cytogenetic location: 16p13.3.
Variant type: single nucleotide variant.
Coding change: c.89T>C on transcript NM_000517.6 (MANE Select); coding-DNA position 89, T replaced by C.
Protein change: p.Leu30Pro; replaces leucine 30 with proline.
Molecular consequence: missense variant.
Genome position (GRCh38, 1-based): chr16:173,001, T>C. VCF-style: chr16-173001-T-C. GRCh37 (hg19) VCF-style: chr16-223000-T-C.
Other names: L29P; NM_000517.6(HBA2):c.89T>C; p.Leu30Pro; c.89T>C (NM_000517.5); short protein forms L30P.
Identifiers: ClinVar variation 15651 (VCV000015651.14), dbSNP rs41341344, ClinGen allele CA125593.
Genomic context (GRCh38, chr16:173,001, plus strand): 5'-ACGTCAAGGCCGCCTGGGGTAAGGTCGGCGCGCACGCTGGCGAGTATGGTGCGGAGGCCC[T>C]GGAGAGGTGAGGCTCCCTCCCCTGCTCCGACCCGGGCTCCTCGCCCGCCCGGACCCACAG-3'
Protein context (NP_000508.1, residues 20-40): AHAGEYGAEA[Leu30Pro]ERMFLSFPTT

ClinVar aggregate classification (germline): Pathogenic. Review status: reviewed by expert panel (3 of 4 stars). 9 submissions from 8 submitters: Pathogenic (1). 8 of the submissions do not count toward it. Last evaluated 2026-04-08.

Conditions:
HBA2-related alpha thalassemia spectrum. Identifiers: MedGen CN377749, MONDO:0100562.
HBA2-related disorders.
Erythrocyte disorder. Also called: Erythrocyte disease. Identifiers: MedGen C0221016, MONDO:0044347.
Hemoglobin H disease, nondeletional. Identifiers: MedGen C3279561.
HEMOGLOBIN AGRINIO.
alpha Thalassemia. Also called: Alpha thalassemia spectrum. Identifiers: Orphanet 846, MedGen C0002312, MONDO:0011399, OMIM 604131.

Allele frequency attached by ClinVar (database versions not stated): gnomAD exomes below 0.00001.
gnomAD v4.1: 1 of 446,884 alleles (0.00022%); highest among the groups gnomAD compares: Non-Finnish European, 0.00038%; no homozygotes.

Submissions (9):

ClinGen Hemoglobinopathy Variant Curation Expert Panel, ClinGen
Classification: Pathogenic for HBA2-related alpha thalassemia spectrum. Last evaluated: 2026-04-08. Review status: reviewed by expert panel. Criteria: ClinGen Hb Opathy ACMG Specifications HBA2 V1.0.0. Collection method: curation. Allele origin: germline. Inheritance: Autosomal recessive inheritance.
Comment: The c.89T>C (p.Leu30Pro) variant in HBA2 is a missense variant with a minor allele frequency of 0.0000022 (1/446,884 alleles) in gnomAD v4.1, which is lower than the ClinGen Hemoglobinopathy VCEP threshold (<0.0001) for PM2_Supporting and therefore meets this criterion [PM2_P]. This variant has been detected in 9 individuals with a severe clinical phenotype characterized by HbH inclusions and requirements for transfusion and splenectomy. Total PM3 points are 8 [PM3_VS; PMID: 20854116; 29219637; 18473239]. It has also been reported to segregate with HbH disease in 8 affected individuals from 8 families. The number of unaffected segregations is 4, giving a LOD score of 5.32 [PP1_S; PMID:29219637; 9629496; 8136277; 23094635]. This variant has been reported in 10 unrelated individuals with a hematological phenotype consistent with α-thalassemia trait (reduced MCV, MCH [7*0.15=1.05] or reduced MCV and MCH with normal RBC count [3*0.2=0.6]), giving a total score of 1.65 [PS4_M; PMID: 29219637; 23094635; 8136277; 9629496]. The computational predictor REVEL (score 0.91; VCEP threshold >0.8) suggests that this variant impacts HBA2 function [PP3]. Overall, this variant is classified as a pathogenic variant for recessive HBA2-related alpha thalassemia spectrum (MONDO:0100562) based on the ACMG/AMP criteria applied, as specified by the ClinGen Hemoglobinopathy VCEP (specification version 1.0.0): PM3_VS, PP1_S, PS4_M, PP3, PM2_P

Natera, Inc.
Classification: Pathogenic for Alpha thalassemia. Last evaluated: 2025-11-03. Review status: criteria provided, single submitter. Criteria: Natera Variant Classification Schema (03/2026). Collection method: clinical testing. Allele origin: germline. Not counted in ClinVar's aggregate classification.
Comment: The c.89T>C variant in HBA2 is a missense variant predicted to cause substitution of leucine to proline at amino acid 30. This variant is rare in the general population with a frequency below the threshold expected for the associated phenotype(s). This variant has been observed in one or more individuals affected with the associated recessive disease, as either homozygous or compound heterozygous with a second variant (PMID: 23094635, 8136277). Additionally, this variant has been observed to segregate in affected family members (PMID: 23094635). Computational prediction algorithms indicate this variant is likely to affect gene or protein function. Given the available evidence, this variant is classified as Pathogenic.

Women's Health and Genetics/Laboratory Corporation of America, LabCorp
Classification: Pathogenic for alpha Thalassemia. Last evaluated: 2024-07-08. Review status: criteria provided, single submitter. Criteria: LabCorp Variant Classification Summary - May 2015. Collection method: clinical testing. Allele origin: germline. Not counted in ClinVar's aggregate classification.
Comment: Variant summary: HBA2 c.89T>C (p.Leu30Pro) results in a non-conservative amino acid change in the encoded protein sequence. Five of five in-silico tools predict a damaging effect of the variant on protein function. The variant allele was found at a frequency of 2.2e-06 in 446884 control chromosomes (gnomAD v4.1). c.89T>C has been reported in the literature in the simple heterozygous state in individuals with alpha thalassemia and in compound heterozygotes with an atypical form of HbH disease characterized by a severe hypochromic microcytic anaemia (Hall_1993). It was also found in the homozygous state in multuple cases of severe antenatal anemia (Szepetowski_2022). These data indicate that the variant is very likely to be associated with disease. The following publications have been ascertained in the context of this evaluation (PMID: 36052950, 8136277). ClinVar contains an entry for this variant (Variation ID: 15651). Based on the evidence outlined above, the variant was classified as pathogenic.

ARUP Laboratories, Molecular Genetics and Genomics, ARUP Laboratories
Classification: Pathogenic. Last evaluated: 2024-02-16. Review status: criteria provided, single submitter. Criteria: ARUP Molecular Germline Variant Investigation Process 2024. Collection method: clinical testing. Allele origin: germline. Not counted in ClinVar's aggregate classification.
Comment: The HBA2 c.89T>C; p.Leu30Pro variant (also known as Hb Agrinio or Leu29Pro when numbered from the mature protein, rs41341344, HbVar ID:45) has been reported in multiple individuals with microcytosis and hypochromia when found in a heterozygous state (de la Fuente-Gonzalo 2012, Hall 1993). Individuals homozygous for this variant or compound heterozygous with another pathogenic variant exhibit marked hypochromic microcytic anemia, with an elevated reticulocyte count and occasionally elevated Hb Barts or Hb H (de la Fuente-Gonzalo 2012, Hall 1993). This variant is also reported in ClinVar (Variation ID: 15651), but is absent from the Genome Aggregation Database, indicating it is not a common polymorphism. The leucine at codon 30 is moderately conserved, and computational analyses predict that this variant is deleterious (REVEL: 0.910). In vitro studies show the variant protein is undetectable by various analyses, suggestive of an unstable hemoglobin variant (Hall 1993). Based on available information, this variant is considered to be pathogenic. References: Link to HbVar database: de la Fuente-Gonzalo F et al. Study of three families with Hb Agrinio (alpha29(B10)Leu?Pro, CTG>CCG (alpha2)) in the Spanish population: three homozygous cases. Hemoglobin. 2012; 36(6):526-32. Hall G et al. A base substitution (T-->C) in codon 29 of the alpha 2-globin gene causes alpha thalassaemia. Br J Haematol. 1993; 85(3):546-52.

Blueprint Genetics
Classification: Pathogenic for HBA2-related disorders. Last evaluated: 2023-02-07. Review status: criteria provided, single submitter. Criteria: ACMG Guidelines, 2015. Collection method: clinical testing. Allele origin: germline. Affected: yes. Observed: 4 variant alleles. Not counted in ClinVar's aggregate classification.

Quest Diagnostics Nichols Institute San Juan Capistrano
Classification: Pathogenic. Last evaluated: 2022-10-27. Review status: criteria provided, single submitter. Criteria: Quest Diagnostics criteria. Collection method: clinical testing. Allele origin: unknown. Not counted in ClinVar's aggregate classification.
Comment: The c.89T>C (p.Leu30Pro) mutation in the alpha2-globin gene is known as Hb Agrinio. Hb Agrinio is reported as being hyperunstable. Individuals who are heterozygous for this variant are reported as having a normal clinical presentation (PMID: 8537235 (1995)). However, individuals who are homozygous for this variant, or compound heterozygous for this variant and a mutation associated with alpha-thalassemia, often present with atypical Hb H disease (PMIDs: 36052950 (2022), 29219637 (2017), 23094635 (2012), 22452522 (2012), 20854116 (2010), 9629496 (1998), 8537235 (1995), and 8136277 (1993)).

AURAGEN, Plan France Médecine Génomique
Classification: Pathogenic for Erythrocyte disorder. Last evaluated: 2022-04-22. Review status: criteria provided, single submitter. Criteria: PFMG2025 (Lancet Reg Health Eur. 2025). Collection method: clinical testing. Allele origin: germline. Affected: yes. Not counted in ClinVar's aggregate classification.

OMIM
Classification: other for HEMOGLOBIN AGRINIO. Last evaluated: 2022-09-12. Review status: no assertion criteria provided. Collection method: literature only. Allele origin: germline. Not counted in ClinVar's aggregate classification.

OMIM
Classification: Pathogenic for HEMOGLOBIN H DISEASE, NONDELETIONAL. Last evaluated: 1998-05-01. Review status: no assertion criteria provided. Collection method: literature only. Allele origin: germline. Not counted in ClinVar's aggregate classification.

Literature cited by the submitters: PubMed 23094635 (cited by Natera, Inc. and Quest Diagnostics Nichols Institute San Juan Capistrano); PubMed 8136277 (cited by 4 submitters); PubMed 36052950 (cited by Women's Health and Genetics/Laboratory Corporation of America, LabCorp and Quest Diagnostics Nichols Institute San Juan Capistrano); PubMed 9629496 (cited by Quest Diagnostics Nichols Institute San Juan Capistrano and OMIM); PubMed 32019385 (cited by Quest Diagnostics Nichols Institute San Juan Capistrano); PubMed 20854116 (cited by Quest Diagnostics Nichols Institute San Juan Capistrano); PubMed 8537235 (cited by Quest Diagnostics Nichols Institute San Juan Capistrano); PubMed 29219637 (cited by Quest Diagnostics Nichols Institute San Juan Capistrano); PubMed 25976777 (cited by Quest Diagnostics Nichols Institute San Juan Capistrano); PubMed 21077766 (cited by Quest Diagnostics Nichols Institute San Juan Capistrano); PubMed 22452522 (cited by Quest Diagnostics Nichols Institute San Juan Capistrano); PubMed 25892676 (cited by Quest Diagnostics Nichols Institute San Juan Capistrano); PubMed 26035111 (cited by Quest Diagnostics Nichols Institute San Juan Capistrano).